The following is an entry in ClinVar:

ClinVar aggregate classification (germline): Uncertain significance (1 of 4 stars; one submission).

Conditions:
Charcot-Marie-Tooth disease type 4. Also called: Charcot-Marie-Tooth, Type 4; Charcot-Marie-Tooth disease, type IV. Identifiers: Orphanet 64749, MedGen C4082197, MONDO:0018995.

Allele frequency attached by ClinVar (database versions not stated): gnomAD exomes below 0.00001; gnomAD 0.00001; TOPMed 0.00001.
gnomAD v4.1: 3 of 1,614,014 alleles (0.00019%); highest among the groups gnomAD compares: Admixed American, 0.0017%; no homozygotes.

Submission:

Labcorp Genetics (formerly Invitae), Labcorp
Classification: Uncertain significance for Charcot-Marie-Tooth disease type 4. Last evaluated: 2021-09-02. Review status: criteria provided, single submitter. Criteria: Invitae Variant Classification Sherloc (09022015). Collection method: clinical testing. Allele origin: germline.
Comment: This sequence change replaces histidine with arginine at codon 770 of the SH3TC2 protein (p.His770Arg). The histidine residue is highly conserved and there is a small physicochemical difference between histidine and arginine. This variant is not present in population databases (ExAC no frequency). This variant has not been reported in the literature in individuals affected with SH3TC2-related conditions. Algorithms developed to predict the effect of missense changes on protein structure and function (SIFT, PolyPhen-2, Align-GVGD) all suggest that this variant is likely to be disruptive. In summary, the available evidence is currently insufficient to determine the role of this variant in disease. Therefore, it has been classified as a Variant of Uncertain Significance.

NM_024577.4(SH3TC2):c.2309A>G (p.His770Arg)

Gene: SH3TC2 (SH3 domain and tetratricopeptide repeats 2; minus strand). Cytogenetic location: 5q32.
Variant type: single nucleotide variant.
Coding change: c.2309A>G on transcript NM_024577.4 (MANE Select); coding-DNA position 2309, A replaced by G.
Protein change: p.His770Arg; replaces histidine 770 with arginine.
Molecular consequence: missense variant.
Genome position (GRCh38, 1-based): chr5:149,027,423, T>C on the plus strand (A>G on the coding strand, the complement: SH3TC2 is on the minus strand). VCF-style: chr5-149027423-T-C. GRCh37 (hg19) VCF-style: chr5-148406986-T-C.
Other names: short protein forms H770R.
Identifiers: ClinVar variation 1025505 (VCV001025505.6), dbSNP rs926165676, ClinGen allele CA128984438.
Genomic context (GRCh38, chr5:149,027,423, plus strand): 5'-AGCAGCTGCCCTAGCACCAAGGCCTGGCTCAGGTAGTGGATGGCACCGTCAGGAGACCTG[T>C]GCTCGAGGTACACTTTGGAAAGGATGAGACACAGGGCCCTCTGGGTGCTCCGGTCTGCTA-3'
Protein context (NP_078853.2, residues 760-780): CLILSKVYLE[His770Arg]RSPDGAIHYL